The following is an entry in ClinVar:

ClinVar aggregate classification (germline): Uncertain significance (1 of 4 stars; one submission).

Conditions:
Dyskeratosis congenita. Identifiers: Orphanet 1775, MedGen C0265965, MONDO:0015780.

Submission:

Ambry Genetics
Classification: Uncertain significance for Dyskeratosis congenita. Last evaluated: 2024-09-16. Review status: criteria provided, single submitter. Criteria: Ambry Variant Classification Scheme 2023. Collection method: clinical testing. Allele origin: germline.
Comment: The p.L397R variant (also known as c.1190T>G), located in coding exon 2 of the TERT gene, results from a T to G substitution at nucleotide position 1190. The leucine at codon 397 is replaced by arginine, an amino acid with dissimilar properties. This amino acid position is conserved. In addition, this alteration is predicted to be deleterious by in silico analysis. Based on the available evidence, the clinical significance of this variant remains unclear.

NM_198253.3(TERT):c.1190T>G (p.Leu397Arg)

Gene: TERT (telomerase reverse transcriptase; minus strand). Cytogenetic location: 5p15.33.
Variant type: single nucleotide variant.
Coding change: c.1190T>G on transcript NM_198253.3 (MANE Select); coding-DNA position 1190, T replaced by G.
Protein change: p.Leu397Arg; replaces leucine 397 with arginine.
Molecular consequence: missense variant. On other transcripts: non-coding transcript variant (2).
Genome position (GRCh38, 1-based): chr5:1,293,696, A>C on the plus strand (T>G on the coding strand, the complement: TERT is on the minus strand). VCF-style: chr5-1293696-A-C. GRCh37 (hg19) VCF-style: chr5-1293811-A-C.
Other names: c.1190T>G, p.Leu397Arg (NM_001193376.3); short protein forms L397R.
Identifiers: ClinVar variation 3455189 (VCV003455189.1).